The following is an entry in ClinVar:

ClinVar aggregate classification (germline): Pathogenic. Review status: criteria provided, multiple submitters, no conflicts (2 of 4 stars). 3 submissions from 3 submitters: Pathogenic (2). 1 of the submissions does not count toward it. Last evaluated 2025-02-08.

Conditions:
Hypophosphatemic rickets. Identifiers: MedGen C1704375, MeSH D063730, MONDO:0024300, HP:0004912.
Childhood hypophosphatasia. Identifiers: Orphanet 247667, Orphanet 436, MedGen C0220743, MONDO:1010168, OMIM 241510, MONDO:0009428.

Submissions (3):

Labcorp Genetics (formerly Invitae), Labcorp
Classification: Pathogenic. Last evaluated: 2025-02-08. Review status: criteria provided, single submitter. Criteria: Invitae Variant Classification Sherloc (09022015). Collection method: clinical testing. Allele origin: germline.
Comment: This sequence change affects an acceptor splice site in intron 19 of the PHEX gene. It is expected to disrupt RNA splicing. Variants that disrupt the donor or acceptor splice site typically lead to a loss of protein function (PMID: 16199547), and loss-of-function variants in PHEX are known to be pathogenic (PMID: 9097956, 9106524, 19219621). This variant is not present in population databases (gnomAD no frequency). Disruption of this splice site has been observed in individuals with X-linked hypophosphatemia (PMID: 30682568). ClinVar contains an entry for this variant (Variation ID: 1339458). Algorithms developed to predict the effect of sequence changes on RNA splicing suggest that this variant may disrupt the consensus splice site. For these reasons, this variant has been classified as Pathogenic.

Laboratory of Cyto-molecular Genetics, Department of Anatomy, All India Institute of Medical Sciences (AIIMS), New Delhi
Classification: Pathogenic for Hypophosphatemic rickets. Last evaluated: 2022-02-07. Review status: criteria provided, single submitter. Criteria: ACMG Guidelines, 2015. Collection method: clinical testing. Allele origin: germline. Affected: yes. Observed: 2 variant alleles.
Comment: NC_000023.10(PHEX_v001):c.1966-1G>A; splice site variant at intron 19-exon 20 junction

Department of Pediatric Endocrinology, Shriners Hospitals for Children - Mexico City
No classification provided. Condition: Childhood hypophosphatasia. Review status: no classification provided. Collection method: phenotyping only. Allele origin: germline. Inheritance: X-linked dominant inheritance. Affected: yes. Observed: 1 variant allele. Not counted in ClinVar's aggregate classification.

Literature cited by the submitters: PubMed 16199547 (cited by Labcorp Genetics (formerly Invitae), Labcorp); PubMed 9097956 (cited by Labcorp Genetics (formerly Invitae), Labcorp); PubMed 9106524 (cited by Labcorp Genetics (formerly Invitae), Labcorp); PubMed 19219621 (cited by Labcorp Genetics (formerly Invitae), Labcorp); PubMed 30682568 (cited by Labcorp Genetics (formerly Invitae), Labcorp); PubMed 35738466 (cited by Laboratory of Cyto-molecular Genetics, Department of Anatomy, All India Institute of Medical Sciences (AIIMS), New Delhi).

NM_000444.6(PHEX):c.1966-1G>A

Genes: PHEX (phosphate regulating endopeptidase X-linked; plus strand), PTCHD1-AS (PTCHD1 and PHEX antisense RNA; minus strand). Cytogenetic location: Xp22.11.
Variant type: single nucleotide variant.
Coding change: c.1966-1G>A on transcript NM_000444.6 (MANE Select); the canonical splice acceptor site of the intron before coding-DNA position 1966, G replaced by A.
Molecular consequence: splice acceptor variant. On other transcripts: non-coding transcript variant (1).
Genome position (GRCh38, 1-based): chrX:22,227,506, G>A. VCF-style: chrX-22227506-G-A. GRCh37 (hg19) VCF-style: chrX-22245623-G-A.
Other names: c.1966-1G>A (NM_001282754.2).
Identifiers: ClinVar variation 1339458 (VCV001339458.10), dbSNP rs1064795147, ClinGen allele CA412574278.